The following is an entry in ClinVar:

NM_001146.5(ANGPT1):c.429A>C (p.Arg143Ser)

Gene: ANGPT1 (angiopoietin 1; minus strand). Cytogenetic location: 8q23.1.
Variant type: single nucleotide variant.
Coding change: c.429A>C on transcript NM_001146.5 (MANE Select); coding-DNA position 429, A replaced by C.
Protein change: p.Arg143Ser; replaces arginine 143 with serine.
Molecular consequence: missense variant.
Genome position (GRCh38, 1-based): chr8:107,346,966, T>G on the plus strand (A>C on the coding strand, the complement: ANGPT1 is on the minus strand). VCF-style: chr8-107346966-T-G. GRCh37 (hg19) VCF-style: chr8-108359194-T-G.
Other names: c.429A>C, p.Arg143Ser (NM_001199859.3); short protein forms R143S.
Identifiers: ClinVar variation 3680413 (VCV003680413.2).

ClinVar aggregate classification (germline): Uncertain significance (1 of 4 stars; one submission).

Submission:

Labcorp Genetics (formerly Invitae), Labcorp
Classification: Uncertain significance. Last evaluated: 2024-04-25. Review status: criteria provided, single submitter. Criteria: Invitae Variant Classification Sherloc (09022015). Collection method: clinical testing. Allele origin: germline.
Comment: This sequence change replaces arginine, which is basic and polar, with serine, which is neutral and polar, at codon 143 of the ANGPT1 protein (p.Arg143Ser). This variant is not present in population databases (gnomAD no frequency). This variant has not been reported in the literature in individuals affected with ANGPT1-related conditions. An algorithm developed to predict the effect of missense changes on protein structure and function (PolyPhen-2) suggests that this variant is likely to be disruptive. In summary, the available evidence is currently insufficient to determine the role of this variant in disease. Therefore, it has been classified as a Variant of Uncertain Significance.